The following is an entry in ClinVar:

ClinVar aggregate classification (germline): Likely benign. Review status: criteria provided, multiple submitters, no conflicts (2 of 4 stars). 2 submissions from 2 submitters: Likely benign (2). Last evaluated 2026-04-16.

Conditions:
COL18A1-related disorder. Also called: COL18A1-related disorders; COL18A1-related condition.

Allele frequency attached by ClinVar (database versions not stated): ExAC 0.00001; gnomAD exomes 0.00002; gnomAD 0.00003 and 0.00004; TOPMed 0.00004.

Submissions (2):

PreventionGenetics, part of Exact Sciences
Classification: Likely benign for COL18A1-related condition. Last evaluated: 2026-04-16. Review status: criteria provided, single submitter. Criteria: ACMG Guidelines, 2015. Collection method: clinical testing. Allele origin: germline.
Comment: This variant is classified as likely benign based on ACMG/AMP sequence variant interpretation guidelines (Richards et al. 2015 PMID: 25741868, with internal and published modifications).

Labcorp Genetics (formerly Invitae), Labcorp
Classification: Likely benign. Last evaluated: 2026-01-19. Review status: criteria provided, single submitter. Criteria: Invitae Variant Classification Sherloc (09022015). Collection method: clinical testing. Allele origin: germline.

NM_001379500.1(COL18A1):c.107-12523C>T

Gene: COL18A1 (collagen type XVIII alpha 1 chain; plus strand). Cytogenetic location: 21q22.3.
Variant type: single nucleotide variant.
Coding change: c.107-12523C>T on transcript NM_001379500.1 (MANE Select); 12523 bases into the intron before coding-DNA position 107, C replaced by T.
Molecular consequence: intron variant. On other transcripts: synonymous variant (2).
Genome position (GRCh38, 1-based): chr21:45,455,719, C>T. VCF-style: chr21-45455719-C-T. GRCh37 (hg19) VCF-style: chr21-46875633-C-T.
Other names: c.189C>T, p.His63= (NM_030582.4, NM_130444.3); c.189C>T (NM_030582.3).
Identifiers: ClinVar variation 1630758 (VCV001630758.10), dbSNP rs753119196, ClinGen allele CA10065405.
Genomic context (GRCh38, chr21:45,455,719, plus strand): 5'-CACGATCCCTGAGCCCCAGGGGCCCCTGCCTGTGCAGCCCACAGCAGATACCACCACACA[C>T]GTGACCCCCCGGAATGGTTCCACAGAGCCAGCGACAGCCCCTGGCAGCCCTGAGCCACCC-3'